The following is an entry in ClinVar:

ClinVar aggregate classification (germline): Uncertain significance. Review status: criteria provided, multiple submitters, no conflicts (2 of 4 stars). 3 submissions from 3 submitters: Uncertain significance (3). Last evaluated 2025-02-02.

Conditions:
CEP41-related disorder. Also called: CEP41-related condition.
Inborn genetic diseases. Identifiers: MedGen C0950123, MeSH D030342.
Joubert syndrome 15 (JBTS15). Identifiers: Orphanet 475, MedGen C3280897, MONDO:0013763, OMIM 614464.

Allele frequency attached by ClinVar (database versions not stated): ExAC 0.00001; gnomAD 0.00001; gnomAD exomes 0.00001; TOPMed 0.00001.
gnomAD v4.1: 22 of 1,614,090 alleles (0.0014%); highest among the groups gnomAD compares: Admixed American, 0.0033%; no homozygotes.

Submissions (3):

PreventionGenetics, part of Exact Sciences
Classification: Uncertain significance for CEP41-related condition. Last evaluated: 2025-02-02. Review status: criteria provided, single submitter. Criteria: ACMG Guidelines, 2015. Collection method: clinical testing. Allele origin: germline.
Comment: The CEP41 c.1028G>A variant is predicted to result in the amino acid substitution p.Arg343Gln. To our knowledge, this variant has not been reported in the literature. This variant is reported in 0.0029% of alleles in individuals of Latino descent in gnomAD. At this time, the clinical significance of this variant is uncertain due to the absence of conclusive functional and genetic evidence.

Ambry Genetics
Classification: Uncertain significance for Inborn genetic diseases. Last evaluated: 2023-12-01. Review status: criteria provided, single submitter. Criteria: Ambry Variant Classification Scheme 2023. Collection method: clinical testing. Allele origin: germline.

Labcorp Genetics (formerly Invitae), Labcorp
Classification: Uncertain significance for Joubert syndrome 15. Last evaluated: 2022-07-14. Review status: criteria provided, single submitter. Criteria: Invitae Variant Classification Sherloc (09022015). Collection method: clinical testing. Allele origin: germline.
Comment: This sequence change replaces arginine, which is basic and polar, with glutamine, which is neutral and polar, at codon 343 of the CEP41 protein (p.Arg343Gln). This variant is present in population databases (rs782089459, gnomAD 0.003%). This variant has not been reported in the literature in individuals affected with CEP41-related conditions. ClinVar contains an entry for this variant (Variation ID: 1441591). Algorithms developed to predict the effect of missense changes on protein structure and function are either unavailable or do not agree on the potential impact of this missense change (SIFT: "Tolerated"; PolyPhen-2: "Possibly Damaging"; Align-GVGD: "Class C0"). In summary, the available evidence is currently insufficient to determine the role of this variant in disease. Therefore, it has been classified as a Variant of Uncertain Significance.

NM_018718.3(CEP41):c.1028G>A (p.Arg343Gln)

Gene: CEP41 (centrosomal protein 41; minus strand). Cytogenetic location: 7q32.2.
Variant type: single nucleotide variant.
Coding change: c.1028G>A on transcript NM_018718.3 (MANE Select); coding-DNA position 1028, G replaced by A.
Protein change: p.Arg343Gln; replaces arginine 343 with glutamine.
Molecular consequence: missense variant. On other transcripts: non-coding transcript variant (1).
Genome position (GRCh38, 1-based): chr7:130,398,985, C>T on the plus strand (G>A on the coding strand, the complement: CEP41 is on the minus strand). VCF-style: chr7-130398985-C-T. GRCh37 (hg19) VCF-style: chr7-130038826-C-T.
Other names: c.1028G>A (NM_018718.1, NM_018718.2); c.812G>A, p.Arg271Gln (NM_001257158.2); c.764G>A, p.Arg255Gln (NM_001257159.2); short protein forms R255Q, R271Q, R343Q.
Identifiers: ClinVar variation 1441591 (VCV001441591.7), dbSNP rs782089459, ClinGen allele CA4485406.
Genomic context (GRCh38, chr7:130,398,985, plus strand): 5'-CTGAGGGAGCGGGGGTTTGAGTGGCTGGCGGGGCCGCCACCTGGCAGATTCTGAGCGCTT[C>T]GGGCACCAGGCACCTTGGACTCTCTTCCGGAGGAGTTAGCTTGGTTCAGTCGGCCTGAAG-3'
Protein context (NP_061188.1, residues 333-353): SGRESKVPGA[Arg343Gln]SAQNLPGGGP